The following is an entry in ClinVar:

NM_006005.3(WFS1):c.2564_2565inv (p.Ser855Leu)

Gene: WFS1 (wolframin ER transmembrane glycoprotein; plus strand). Cytogenetic location: 4p16.1.
Variant type: Inversion.
Coding change: c.2564_2565inv on transcript NM_006005.3 (MANE Select).
Protein change: p.Ser855Leu; replaces serine 855 with leucine.
Molecular consequence: missense variant.
Genome position: GRCh38 VCF-style: chr4-6302359-CA-TG. GRCh37 (hg19) VCF-style: chr4-6304086-CA-TG.
Other names: c.2564_2565inv, p.Ser855Leu (NM_001145853.1); short protein forms S855L.
Identifiers: ClinVar variation 1391404 (VCV001391404.7), ClinGen allele CA2573138345.

ClinVar aggregate classification (germline): Uncertain significance (1 of 4 stars; one submission).

Submission:

Labcorp Genetics (formerly Invitae), Labcorp
Classification: Uncertain significance. Last evaluated: 2025-04-19. Review status: criteria provided, single submitter. Criteria: Invitae Variant Classification Sherloc (09022015). Collection method: clinical testing. Allele origin: germline.
Comment: This sequence change replaces serine, which is neutral and polar, with leucine, which is neutral and non-polar, at codon 855 of the WFS1 protein (p.Ser855Leu). This variant is present in population databases (no rsID available, gnomAD 0.002%). This missense change has been observed in individual(s) with WFS1-related conditions (PMID: 35982159, 37277527). ClinVar contains an entry for this variant (Variation ID: 1391404). An algorithm developed to predict the effect of missense changes on protein structure and function (PolyPhen-2) suggests that this variant is likely to be tolerated. In summary, the available evidence is currently insufficient to determine the role of this variant in disease. Therefore, it has been classified as a Variant of Uncertain Significance.

Literature cited by the submitters: PubMed 35982159; PubMed 37277527.